The following is an entry in ClinVar:

NM_000075.4(CDK4):c.769G>A (p.Val257Met)

Genes: TSPAN31 (tetraspanin 31; plus strand), CDK4 (cyclin dependent kinase 4; minus strand). Cytogenetic location: 12q14.1.
Variant type: single nucleotide variant.
Coding change: c.769G>A on transcript NM_000075.4 (MANE Select); coding-DNA position 769, G replaced by A.
Protein change: p.Val257Met; replaces valine 257 with methionine.
Molecular consequence: missense variant. On other transcripts: 3 prime UTR variant (3).
Genome position (GRCh38, 1-based): chr12:57,749,232, C>T on the plus strand (G>A on the coding strand, the complement: CDK4 is on the minus strand). VCF-style: chr12-57749232-C-T. GRCh37 (hg19) VCF-style: chr12-58143015-C-T.
Other names: c.*1942C>T (NM_001330168.2, NM_001330169.2, NM_005981.5); short protein forms V257M.
Identifiers: ClinVar variation 2830043 (VCV002830043.3), dbSNP rs2140382790, ClinGen allele CA385543240.
Genomic context (GRCh38, chr12:57,749,232, plus strand): 5'-TCTCCAGTACCAGCAGCAGCTGTGCTCCCGACTCCTCCATCTCAGGTACCACCGACTGCA[C>T]TGGGCGGGGCCCTCTGGGGGGAAAGGCTCCACGGGGCAGGGATACATCTCGAGGCCAGTC-3'
Protein context (NP_000066.1, residues 247-267): GAFPPRGPRP[Val257Met]QSVVPEMEES

ClinVar aggregate classification (germline): Uncertain significance (1 of 4 stars; one submission).

Conditions:
Familial melanoma. Also called: Hereditary melanoma; Hereditary cutaneous melanoma. Identifiers: Orphanet 618, MedGen C1512419, MONDO:0018961.

Submission:

Labcorp Genetics (formerly Invitae), Labcorp
Classification: Uncertain significance for Familial melanoma. Last evaluated: 2024-04-10. Review status: criteria provided, single submitter. Criteria: Invitae Variant Classification Sherloc (09022015). Collection method: clinical testing. Allele origin: germline.
Comment: This sequence change replaces valine, which is neutral and non-polar, with methionine, which is neutral and non-polar, at codon 257 of the CDK4 protein (p.Val257Met). This variant is not present in population databases (gnomAD no frequency). This variant has not been reported in the literature in individuals affected with CDK4-related conditions. Advanced modeling of protein sequence and biophysical properties (such as structural, functional, and spatial information, amino acid conservation, physicochemical variation, residue mobility, and thermodynamic stability) performed at Invitae indicates that this missense variant is not expected to disrupt CDK4 protein function with a negative predictive value of 95%. In summary, the available evidence is currently insufficient to determine the role of this variant in disease. Therefore, it has been classified as a Variant of Uncertain Significance.